The following is an entry in ClinVar:

ClinVar aggregate classification (germline): Uncertain significance (1 of 4 stars; one submission).

Conditions:
Cataract 45 (CTRCT45). Identifiers: Orphanet 91492, MedGen C4225182, MONDO:0014799, OMIM 616851.

Submission:

Centre for Mendelian Genomics, University Medical Centre Ljubljana
Classification: Uncertain significance for Cataract 45. Last evaluated: 2020-01-07. Review status: criteria provided, single submitter. Criteria: ACMG Guidelines, 2015. Collection method: clinical testing. Allele origin: unknown. Affected: yes.
Comment: This variant was classified as: Uncertain significance. The available evidence favors the pathogenic nature of this variant, however the currently available data is insufficient to conclusively support its pathogenic nature. Thus this variant is classified as Uncertain significance - favor pathogenic. The following ACMG criteria were applied in classifying this variant: PM2,PP3.

NM_015073.3(SIPA1L3):c.3535T>G (p.Tyr1179Asp)

Gene: SIPA1L3 (signal induced proliferation associated 1 like 3; plus strand). Cytogenetic location: 19q13.13.
Variant type: single nucleotide variant.
Coding change: c.3535T>G on transcript NM_015073.3 (MANE Select); coding-DNA position 3535, T replaced by G.
Protein change: p.Tyr1179Asp; replaces tyrosine 1179 with aspartic acid.
Molecular consequence: missense variant.
Genome position (GRCh38, 1-based): chr19:38,152,841, T>G. VCF-style: chr19-38152841-T-G. GRCh37 (hg19) VCF-style: chr19-38643481-T-G.
Other names: short protein forms Y1179D.
Identifiers: ClinVar variation 931642 (VCV000931642.3), dbSNP rs1971857507, ClinGen allele CA405618687.
Genomic context (GRCh38, chr19:38,152,841, plus strand): 5'-GGTGGTTTTCGACATAGGCTGATCTTTAACCCTGGGCACGTTCTTCTCATCCCCTGCAGG[T>G]ACACGGCTGCCCCACACCCCCTGCTATCTCTTGATCCCCACTTCAGCCACGATGGGACGT-3'
Protein context (NP_055888.1, residues 1169-1189): YVRYKPSPER[Tyr1179Asp]TAAPHPLLSL